The following is an entry in ClinVar:

ClinVar aggregate classification (germline): Uncertain significance. Review status: criteria provided, multiple submitters, no conflicts (2 of 4 stars). 4 submissions from 4 submitters: Uncertain significance (4). Last evaluated 2024-01-29.

Conditions:
Familial thoracic aortic aneurysm and aortic dissection (TAAD). Also called: Thoracic aortic aneurysms and dissections. Identifiers: Orphanet 91387, MedGen C4707243, MONDO:0019625.

Submissions (4):

Labcorp Genetics (formerly Invitae), Labcorp
Classification: Uncertain significance for Familial thoracic aortic aneurysm and aortic dissection. Last evaluated: 2024-01-29. Review status: criteria provided, single submitter. Criteria: Invitae Variant Classification Sherloc (09022015). Collection method: clinical testing. Allele origin: germline.
Comment: This sequence change replaces methionine, which is neutral and non-polar, with lysine, which is basic and polar, at codon 374 of the SMAD3 protein (p.Met374Lys). This variant is not present in population databases (gnomAD no frequency). This missense change has been observed in individual(s) with thoracic aortic aneurysm (PMID: 29543232). ClinVar contains an entry for this variant (Variation ID: 520185). Advanced modeling of protein sequence and biophysical properties (such as structural, functional, and spatial information, amino acid conservation, physicochemical variation, residue mobility, and thermodynamic stability) performed at Invitae indicates that this missense variant is expected to disrupt SMAD3 protein function with a positive predictive value of 80%. In summary, the available evidence is currently insufficient to determine the role of this variant in disease. Therefore, it has been classified as a Variant of Uncertain Significance.

Molecular Genetics, Royal Melbourne Hospital
Classification: Uncertain significance for Familial thoracic aortic aneurysm and aortic dissection. Last evaluated: 2023-03-30. Review status: criteria provided, single submitter. Criteria: ACMG Guidelines, 2015. Collection method: clinical testing. Allele origin: germline. Affected: yes.
Comment: This sequence change in SMAD3 is predicted to replace methionine with lysine at codon 374, p.(Met374Lys). The methionine residue is highly conserved (100 vertebrates, UCSC), and is located in the MH2 domain a region, amino acids 232-425, that is defined as a mutational hotspot and critical functional domain (PMID: 30661052). There is a moderate physicochemical difference between methionine and lysine. This variant is absent from gnomAD v2.1 and v3.1. This variant has been reported in at least three probands with thoracic aortic aneurysm or dissection (PMID: 29543232; ClinVar: SCV001992489.1; Royal Melbourne Hospital). Multiple lines of computational evidence predict a deleterious effect for the missense substitution (6/6 algorithms). Based on the classification scheme RMH Modified ACMG Guidelines v1.5.1, this variant is classified as a VARIANT OF UNCERTAIN SIGNIFICANCE. Following criteria are met: PM1, PS4_Supporting, PM2_Supporting, PP3.

GeneDx
Classification: Uncertain significance. Last evaluated: 2019-11-05. Review status: criteria provided, single submitter. Criteria: GeneDx Variant Classification Process June 2021. Collection method: clinical testing. Allele origin: germline. Affected: yes.
Comment: Not observed in large population cohorts (Lek et al., 2016); In silico analysis, which includes protein predictors and evolutionary conservation, supports a deleterious effect; Reported in ClinVar but additional evidence is not available (ClinVar Variant ID# 520185; Landrum et al., 2016); Reported as a variant of uncertain significance in an individual with TAAD (Weerakkody et al., 2018); This variant is associated with the following publications: (PMID: 29543232)

Ambry Genetics
Classification: Uncertain significance for Familial thoracic aortic aneurysm and aortic dissection. Last evaluated: 2018-12-18. Review status: criteria provided, single submitter. Criteria: Ambry Variant Classification Scheme 2023. Collection method: clinical testing. Allele origin: germline.
Comment: The p.M374K variant (also known as c.1121T>A), located in coding exon 8 of the SMAD3 gene, results from a T to A substitution at nucleotide position 1121. The methionine at codon 374 is replaced by lysine, an amino acid with similar properties, and is located in the MH2 domain. This amino acid position is highly conserved in available vertebrate species. In addition, this alteration is predicted to be deleterious by in silico analysis. Since supporting evidence is limited at this time, the clinical significance of this alteration remains unclear.

Literature cited by the submitters: PubMed 29543232 (cited by Labcorp Genetics (formerly Invitae), Labcorp and Molecular Genetics, Royal Melbourne Hospital); PubMed 30661052 (cited by Molecular Genetics, Royal Melbourne Hospital).

NM_005902.4(SMAD3):c.1121T>A (p.Met374Lys)

Gene: SMAD3 (SMAD family member 3; plus strand). Cytogenetic location: 15q22.33.
Variant type: single nucleotide variant.
Coding change: c.1121T>A on transcript NM_005902.4 (MANE Select); coding-DNA position 1121, T replaced by A.
Protein change: p.Met374Lys; replaces methionine 374 with lysine.
Molecular consequence: missense variant.
Genome position (GRCh38, 1-based): chr15:67,187,476, T>A. VCF-style: chr15-67187476-T-A. GRCh37 (hg19) VCF-style: chr15-67479814-T-A.
Other names: c.806T>A, p.Met269Lys (NM_001145102.2); c.989T>A, p.Met330Lys (NM_001145103.2); c.536T>A, p.Met179Lys (NM_001145104.2); short protein forms M374K, M330K, M179K, M269K.
Identifiers: ClinVar variation 520185 (VCV000520185.11), dbSNP rs1555414240, ClinGen allele CA392958295.